The following is an entry in ClinVar:

ClinVar aggregate classification (germline): Likely benign (1 of 4 stars; one submission).

Allele frequency attached by ClinVar (database versions not stated): gnomAD exomes 0.78890 and 0.80528; ExAC 0.79397; 1000 Genomes Project 0.80751; 1000 Genomes Project 30x 0.81418; TOPMed 0.83429; gnomAD 0.83910; ESP Exome Variant Server 0.85868.

Submission:

GeneDx
Classification: Likely benign. Last evaluated: 2017-08-02. Review status: criteria provided, single submitter. Criteria: GeneDx Variant Classification (06012015). Collection method: clinical testing. Allele origin: germline. Affected: yes.
Comment: This variant is considered likely benign or benign based on one or more of the following criteria: it is a conservative change, it occurs at a poorly conserved position in the protein, it is predicted to be benign by multiple in silico algorithms, and/or has population frequency not consistent with disease.

NM_001377540.1(SLMAP):c.-42=

Gene: SLMAP (sarcolemma associated protein; plus strand). Cytogenetic location: 3p14.3.
Variant type: single nucleotide variant.
Coding change: c.-42= on transcript NM_001377540.1 (MANE Select); 42 bases upstream of the start codon, no change from the reference sequence.
Molecular consequence: no sequence alteration. On other transcripts: non-coding transcript variant (1).
Genome position: GRCh38 VCF-style: chr3-57757610-C-C. GRCh37 (hg19) VCF-style: chr3-57743337-C-C.
Other names: c.-42= (NM_001304420.3, NM_001304421.2, NM_001377538.1 and 17 more transcripts).
Identifiers: ClinVar variation 516748 (VCV000516748.1), dbSNP rs13400.
Genomic context (GRCh38, chr3:57,757,610, plus strand): 5'-AAATTTTGGGTGGGATAGGGGCATAGGCTTGTGAAGGGCAGTCCGGATCCGGAGGAACTC[C=]TCTTTGTCCCTGGTAGGAGAGACACCCCCAGTCTATCCTCGATGCCGTCAGCCTTGGCCA-3'